The following is an entry in ClinVar:

ClinVar aggregate classification (germline): Pathogenic. Review status: criteria provided, single submitter (1 of 4 stars). 2 submissions from 2 submitters: Pathogenic (1). 1 of the submissions does not count toward it.

Conditions:
Autosomal recessive nonsyndromic hearing loss 84B. Also called: Deafness, autosomal recessive 84b. Identifiers: Orphanet 90636, MedGen C3554159, MONDO:0013984, OMIM 614944.
OTOGL-related disorder. Also called: OTOGL-related condition.

gnomAD v4.1: 44 of 1,433,152 alleles (0.0031%); highest among the groups gnomAD compares: Non-Finnish European, 0.0038%; no homozygotes.

Submissions (2):

Juno Genomics, Hangzhou Juno Genomics, Inc
Classification: Pathogenic for Autosomal recessive nonsyndromic hearing loss 84B. Review status: criteria provided, single submitter. Criteria: ACMG Guidelines, 2015. Collection method: clinical testing. Allele origin: germline.
Comment: Absent from controls (or at extremely low frequency if recessive) in Genome Aggregation Database.;Null variant in a gene where loss of function (LOF) is a known mechanism of disease.;For recessive disorders, detected in trans with a pathogenic variant.

PreventionGenetics, part of Exact Sciences
Classification: Likely pathogenic for OTOGL-related condition. Last evaluated: 2024-08-21. Review status: no assertion criteria provided. Collection method: clinical testing. Allele origin: germline. Not counted in ClinVar's aggregate classification.
Comment: The OTOGL c.2770C>T variant is predicted to result in premature protein termination (p.Arg924*). This variant was reported in an individual with bilateral mild nonsyndromic sensorineural hearing loss (Pan et al. 2022. PubMed ID: 34626719). This variant is reported in 0.0028% of alleles in individuals of European (Non-Finnish) descent in gnomAD. Nonsense variants in OTOGL are expected to be pathogenic. This variant is interpreted as likely pathogenic.

NM_001378609.3(OTOGL):c.2797C>T (p.Arg933Ter)

Gene: OTOGL (otogelin like; plus strand). Cytogenetic location: 12q21.31.
Variant type: single nucleotide variant.
Coding change: c.2797C>T on transcript NM_001378609.3 (MANE Select); coding-DNA position 2797, C replaced by T.
Protein change: p.Arg933Ter; replaces arginine 933 with a stop codon.
Molecular consequence: nonsense.
Genome position (GRCh38, 1-based): chr12:80,279,035, C>T. VCF-style: chr12-80279035-C-T. GRCh37 (hg19) VCF-style: chr12-80672815-C-T.
Other names: c.2797C>T, p.Arg933Ter (NM_001368062.3, NM_001378610.3, NM_173591.7); short protein forms R933*.
Identifiers: ClinVar variation 3358252 (VCV003358252.3).